The following is an entry in ClinVar:

NM_000553.6(WRN):c.3201A>C (p.Glu1067Asp)

Gene: WRN (WRN RecQ like helicase; plus strand). Cytogenetic location: 8p12.
Variant type: single nucleotide variant.
Coding change: c.3201A>C on transcript NM_000553.6 (MANE Select); coding-DNA position 3201, A replaced by C.
Protein change: p.Glu1067Asp; replaces glutamic acid 1067 with aspartic acid.
Molecular consequence: missense variant.
Genome position (GRCh38, 1-based): chr8:31,141,743, A>C. VCF-style: chr8-31141743-A-C. GRCh37 (hg19) VCF-style: chr8-30999259-A-C.
Other names: short protein forms E1067D.
Identifiers: ClinVar variation 2808333 (VCV002808333.3), dbSNP rs1802645672, ClinGen allele CA370923116.

ClinVar aggregate classification (germline): Uncertain significance (1 of 4 stars; one submission).

Conditions:
Werner syndrome (WRN). Identifiers: Orphanet 902, MedGen C0043119, MONDO:0010196, OMIM 277700.

Allele frequency attached by ClinVar (database versions not stated): TOPMed below 0.00001; gnomAD 0.00001.
gnomAD v4.1: 1 of 1,614,010 alleles (0.000062%); highest among the groups gnomAD compares: Non-Finnish European, 0.000085%; no homozygotes.

Submission:

Labcorp Genetics (formerly Invitae), Labcorp
Classification: Uncertain significance for Werner syndrome. Last evaluated: 2024-07-15. Review status: criteria provided, single submitter. Criteria: Invitae Variant Classification Sherloc (09022015). Collection method: clinical testing. Allele origin: germline.
Comment: This sequence change replaces glutamic acid, which is acidic and polar, with aspartic acid, which is acidic and polar, at codon 1067 of the WRN protein (p.Glu1067Asp). This variant is not present in population databases (gnomAD no frequency). This variant has not been reported in the literature in individuals affected with WRN-related conditions. An algorithm developed to predict the effect of missense changes on protein structure and function outputs the following: PolyPhen-2: "Benign". The aspartic acid amino acid residue is found in multiple mammalian species, which suggests that this missense change does not adversely affect protein function. RNA analysis performed to evaluate the impact of this missense change on mRNA splicing indicates it does not significantly alter splicing (Invitae). In summary, the available evidence is currently insufficient to determine the role of this variant in disease. Therefore, it has been classified as a Variant of Uncertain Significance.